The following is an entry in ClinVar:

NM_004787.4(SLIT2):c.2095G>C (p.Glu699Gln)

Gene: SLIT2 (slit guidance ligand 2; plus strand). Cytogenetic location: 4p15.31.
Variant type: single nucleotide variant.
Coding change: c.2095G>C on transcript NM_004787.4 (MANE Select); coding-DNA position 2095, G replaced by C.
Protein change: p.Glu699Gln; replaces glutamic acid 699 with glutamine.
Molecular consequence: missense variant.
Genome position (GRCh38, 1-based): chr4:20,541,571, G>C. VCF-style: chr4-20541571-G-C. GRCh37 (hg19) VCF-style: chr4-20543194-G-C.
Other names: c.2083G>C, p.Glu695Gln (NM_001289135.3); c.2071G>C, p.Glu691Gln (NM_001289136.3); short protein forms E691Q, E695Q, E699Q.
Identifiers: ClinVar variation 4797256 (VCV004797256.1).

ClinVar aggregate classification (germline): Uncertain significance (1 of 4 stars; one submission).

Submission:

Labcorp Genetics (formerly Invitae), Labcorp
Classification: Uncertain significance. Last evaluated: 2025-05-25. Review status: criteria provided, single submitter. Criteria: Invitae Variant Classification Sherloc (09022015). Collection method: clinical testing. Allele origin: germline.
Comment: This sequence change replaces glutamic acid, which is acidic and polar, with glutamine, which is neutral and polar, at codon 699 of the SLIT2 protein (p.Glu699Gln). This variant is not present in population databases (gnomAD no frequency). This variant has not been reported in the literature in individuals affected with SLIT2-related conditions. An algorithm developed to predict the effect of missense changes on protein structure and function (PolyPhen-2) suggests that this variant is likely to be disruptive. In summary, the available evidence is currently insufficient to determine the role of this variant in disease. Therefore, it has been classified as a Variant of Uncertain Significance.